The following is an entry in ClinVar:

ClinVar aggregate classification (germline): Uncertain significance (1 of 4 stars; one submission).

Conditions:
Martsolf syndrome (MARTS). Also called: Congenital cataract with intellectual disability and hypogonadotropic hypogonadism syndrome. Identifiers: Orphanet 1387, MedGen C0796037, MONDO:0023910.
Warburg micro syndrome 2 (WARBM2). Also called: MICRO SYNDROME 2. Identifiers: Orphanet 2510, MedGen C3280214, MONDO:0013641, OMIM 614225.

Allele frequency attached by ClinVar (database versions not stated): gnomAD exomes below 0.00001.
gnomAD v4.1: 2 of 1,614,082 alleles (0.00012%); highest among the groups gnomAD compares: East Asian, 0.0022%; no homozygotes.

Submission:

Labcorp Genetics (formerly Invitae), Labcorp
Classification: Uncertain significance for Martsolf syndrome; Warburg micro syndrome 2. Last evaluated: 2022-11-01. Review status: criteria provided, single submitter. Criteria: Invitae Variant Classification Sherloc (09022015). Collection method: clinical testing. Allele origin: germline.
Comment: In summary, the available evidence is currently insufficient to determine the role of this variant in disease. Therefore, it has been classified as a Variant of Uncertain Significance. Advanced modeling of protein sequence and biophysical properties (such as structural, functional, and spatial information, amino acid conservation, physicochemical variation, residue mobility, and thermodynamic stability) performed at Invitae indicates that this missense variant is not expected to disrupt RAB3GAP2 protein function. This variant has not been reported in the literature in individuals affected with RAB3GAP2-related conditions. This variant is not present in population databases (gnomAD no frequency). This sequence change replaces alanine, which is neutral and non-polar, with valine, which is neutral and non-polar, at codon 849 of the RAB3GAP2 protein (p.Ala849Val).

NM_012414.4(RAB3GAP2):c.2546C>T (p.Ala849Val)

Gene: RAB3GAP2 (RAB3 GTPase activating non-catalytic protein subunit 2; minus strand). Cytogenetic location: 1q41.
Variant type: single nucleotide variant.
Coding change: c.2546C>T on transcript NM_012414.4 (MANE Select); coding-DNA position 2546, C replaced by T.
Protein change: p.Ala849Val; replaces alanine 849 with valine.
Molecular consequence: missense variant.
Genome position (GRCh38, 1-based): chr1:220,171,920, G>A on the plus strand (C>T on the coding strand, the complement: RAB3GAP2 is on the minus strand). VCF-style: chr1-220171920-G-A. GRCh37 (hg19) VCF-style: chr1-220345262-G-A.
Other names: short protein forms A849V.
Identifiers: ClinVar variation 2940927 (VCV002940927.3), dbSNP rs2528643069, ClinGen allele CA344638358.